The following is an entry in ClinVar:

ClinVar aggregate classification (germline): Conflicting classifications of pathogenicity. Review status: criteria provided, conflicting classifications (1 of 4 stars). 5 submissions from 5 submitters: Uncertain significance (1); Likely benign (2). 2 of the submissions do not count toward it. Last evaluated 2026-01-13.

Conditions:
MCCC1-related disorder. Also called: MCCC1-related condition.
Inborn genetic diseases. Identifiers: MedGen C0950123, MeSH D030342.
3-methylcrotonyl-CoA carboxylase 1 deficiency (MCC1D). Also called: MCCD TYPE 1; METHYLCROTONYLGLYCINURIA TYPE I; MCC 1 deficiency; 3 Alpha methylcrotonylglycinuria 1. Identifiers: Orphanet 6, MedGen CN028786, MONDO:0008861, OMIM 210200.

Allele frequency attached by ClinVar (database versions not stated): gnomAD exomes 0.00005 and 0.00016; ExAC 0.00015; 1000 Genomes Project 30x 0.00016; 1000 Genomes Project 0.00020; ESP Exome Variant Server 0.00046; gnomAD 0.00046 and 0.00049; TOPMed 0.00051.
gnomAD v4.1: 149 of 1,613,792 alleles (0.0092%); highest among the groups gnomAD compares: African/African-American, 0.15%; no homozygotes.

Submissions (6):

Labcorp Genetics (formerly Invitae), Labcorp
Classification: Likely benign for 3-methylcrotonyl-CoA carboxylase 1 deficiency. Last evaluated: 2026-01-13. Review status: criteria provided, single submitter. Criteria: Invitae Variant Classification Sherloc (09022015). Collection method: clinical testing. Allele origin: germline.

Ambry Genetics
Classification: Likely benign for Inborn genetic diseases. Last evaluated: 2022-12-19. Review status: criteria provided, single submitter. Criteria: Ambry Variant Classification Scheme 2023. Collection method: clinical testing. Allele origin: germline.

Revvity Omics, Revvity
Classification: Uncertain significance for 3-methylcrotonyl-CoA carboxylase 1 deficiency. Last evaluated: 2020-11-03. Review status: criteria provided, single submitter. Criteria: ACMG Guidelines, 2015. Collection method: clinical testing. Allele origin: germline.

PreventionGenetics, part of Exact Sciences
Classification: Likely benign for MCCC1-related condition. Last evaluated: 2022-11-29. Review status: no assertion criteria provided. Collection method: clinical testing. Allele origin: germline. Not counted in ClinVar's aggregate classification.
Comment: This variant is classified as likely benign based on ACMG/AMP sequence variant interpretation guidelines (Richards et al. 2015 PMID: 25741868, with internal and published modifications).

Natera, Inc.
Classification: Uncertain significance for 3-methylcrotonyl-CoA carboxylase 1 deficiency. Last evaluated: 2020-01-17. Review status: no assertion criteria provided. Collection method: clinical testing. Allele origin: germline. Not counted in ClinVar's aggregate classification.

Dr. Peter K. Rogan Lab, Western University
No classification provided (evidence only). Condition: Uterine corpus endometrial carcinoma. Review status: no classification provided. Collection method: in vitro. Allele origin: not applicable. Functional consequence: retained intron. Not counted in ClinVar's aggregate classification.

NM_020166.5(MCCC1):c.2009C>T (p.Ala670Val)

Gene: MCCC1 (methylcrotonyl-CoA carboxylase subunit 1; minus strand). Cytogenetic location: 3q27.1.
Variant type: single nucleotide variant.
Coding change: c.2009C>T on transcript NM_020166.5 (MANE Select); coding-DNA position 2009, C replaced by T.
Protein change: p.Ala670Val; replaces alanine 670 with valine.
Molecular consequence: missense variant. On other transcripts: non-coding transcript variant (2).
Genome position (GRCh38, 1-based): chr3:183,017,306, G>A on the plus strand (C>T on the coding strand, the complement: MCCC1 is on the minus strand). VCF-style: chr3-183017306-G-A. GRCh37 (hg19) VCF-style: chr3-182735094-G-A.
Other names: c.1658C>T, p.Ala553Val (NM_001293273.2); c.1682C>T, p.Ala561Val (NM_001363880.1); c.2009C>T (NM_020166.3); short protein forms A561V, A670V, A553V.
Identifiers: ClinVar variation 863699 (VCV000863699.14), dbSNP rs138937107, ClinGen allele CA2718582.